The following is an entry in ClinVar:

ClinVar aggregate classification (germline): Likely benign. Review status: criteria provided, single submitter (1 of 4 stars). 2 submissions from 2 submitters: Likely benign (1). 1 of the submissions does not count toward it. Last evaluated 2024-01-11.

Conditions:
Mitochondrial trifunctional protein deficiency. Identifiers: Orphanet 746, MedGen C1969443, MONDO:0012172.
HADHB-related disorder. Also called: HADHB-related condition.

Allele frequency attached by ClinVar (database versions not stated): gnomAD exomes below 0.00001.
gnomAD v4.1: 5 of 1,609,486 alleles (0.00031%); highest among the groups gnomAD compares: Middle Eastern, 0.05%; no homozygotes.

Submissions (2):

Labcorp Genetics (formerly Invitae), Labcorp
Classification: Likely benign for Mitochondrial trifunctional protein deficiency. Last evaluated: 2024-01-11. Review status: criteria provided, single submitter. Criteria: Invitae Variant Classification Sherloc (09022015). Collection method: clinical testing. Allele origin: germline.

PreventionGenetics, part of Exact Sciences
Classification: Likely benign for HADHB-related condition. Last evaluated: 2019-02-21. Review status: no assertion criteria provided. Collection method: clinical testing. Allele origin: germline. Not counted in ClinVar's aggregate classification.
Comment: This variant is classified as likely benign based on ACMG/AMP sequence variant interpretation guidelines (Richards et al. 2015 PMID: 25741868, with internal and published modifications).

NM_000183.3(HADHB):c.1026T>C (p.Tyr342=)

Gene: HADHB (hydroxyacyl-CoA dehydrogenase trifunctional multienzyme complex subunit beta; plus strand). Cytogenetic location: 2p23.3.
Variant type: single nucleotide variant.
Coding change: c.1026T>C on transcript NM_000183.3 (MANE Select); coding-DNA position 1026, T replaced by C.
Protein change: p.Tyr342=; no amino-acid change (tyrosine 342 retained).
Molecular consequence: synonymous variant.
Genome position (GRCh38, 1-based): chr2:26,283,016, T>C. VCF-style: chr2-26283016-T-C. GRCh37 (hg19) VCF-style: chr2-26505884-T-C.
Other names: c.1026T>C (NM_000183.2); c.981T>C, p.Tyr327= (NM_001281512.2); c.960T>C, p.Tyr320= (NM_001281513.2).
Identifiers: ClinVar variation 3015493 (VCV003015493.5), dbSNP rs1250402557, ClinGen allele CA425201525.